The following is an entry in ClinVar:

NM_001256012.3(MYH10):c.1835A>G (p.Asn612Ser)

Gene: MYH10 (myosin heavy chain 10; minus strand). Cytogenetic location: 17p13.1.
Variant type: single nucleotide variant.
Coding change: c.1835A>G on transcript NM_001256012.3 (MANE Select); coding-DNA position 1835, A replaced by G.
Protein change: p.Asn612Ser; replaces asparagine 612 with serine.
Molecular consequence: missense variant.
Genome position (GRCh38, 1-based): chr17:8,535,446, T>C on the plus strand (A>G on the coding strand, the complement: MYH10 is on the minus strand). VCF-style: chr17-8535446-T-C. GRCh37 (hg19) VCF-style: chr17-8438764-T-C.
Other names: c.1835A>G (NM_001256012.1); c.1832A>G, p.Asn611Ser (NM_001256095.2); c.1835A>G, p.Asn612Ser (NM_001375266.1); c.1805A>G, p.Asn602Ser (NM_005964.5); short protein forms N612S, N602S, N611S.
Identifiers: ClinVar variation 3155980 (VCV003155980.2), dbSNP rs760143127, ClinGen allele CA8377819.
Genomic context (GRCh38, chr17:8,535,446, plus strand): 5'-CCATCTTTCCAAAGCTCTGCCACAAATCTGTCTGATGACTGGTGCAAAAGGGTGGCCACG[T>C]TGTCATTCAGGGGGTCCATATTCTTCATCAGCCACTCATCTGCCTTATAGTCCACCTATC-3'
Protein context (NP_001242941.1, residues 602-622): LMKNMDPLND[Asn612Ser]VATLLHQSSD

ClinVar aggregate classification (germline): Uncertain significance. Review status: criteria provided, multiple submitters, no conflicts (2 of 4 stars). 2 submissions from 2 submitters: Uncertain significance (2). Last evaluated 2024-10-14.

Conditions:
Inborn genetic diseases. Identifiers: MedGen C0950123, MeSH D030342.
MYH10-related disorder. Also called: MYH10-related condition.

Allele frequency attached by ClinVar (database versions not stated): gnomAD exomes below 0.00001; ExAC 0.00001.
gnomAD v4.1: 3 of 1,614,118 alleles (0.00019%); highest among the groups gnomAD compares: Non-Finnish European, 0.00017%; no homozygotes.

Submissions (2):

PreventionGenetics, part of Exact Sciences
Classification: Uncertain significance for MYH10-related condition. Last evaluated: 2024-10-14. Review status: criteria provided, single submitter. Criteria: ACMG Guidelines, 2015. Collection method: clinical testing. Allele origin: germline.
Comment: The MYH10 c.1835A>G variant is predicted to result in the amino acid substitution p.Asn612Ser. To our knowledge, this variant has not been reported in the literature. This variant is reported in 0.00088% of alleles in individuals of European (Non-Finnish) descent in gnomAD. At this time, the clinical significance of this variant is uncertain due to the absence of conclusive functional and genetic evidence.

Ambry Genetics
Classification: Uncertain significance for Inborn genetic diseases. Last evaluated: 2023-10-05. Review status: criteria provided, single submitter. Criteria: Ambry Variant Classification Scheme 2023. Collection method: clinical testing. Allele origin: germline.